The following is an entry in ClinVar:

ClinVar aggregate classification (germline): Benign/Likely benign. Review status: criteria provided, multiple submitters, no conflicts (2 of 4 stars). 5 submissions from 4 submitters: Benign (1); Likely benign (3). 1 of the submissions does not count toward it. Last evaluated 2026-02-02.

Conditions:
Mucolipidosis type II. Also called: Mucolipidosis II Alpha/Beta; ML II ALPHA/BETA; Mucolipidosis 2; ML 2; Inclusion cell disease; Leroy Disease. Identifiers: Orphanet 576, MedGen C2673377, MONDO:0009650, OMIM 252500.
Pseudo-Hurler polydystrophy. Also called: MUCOLIPIDOSIS IIIA; ML IIIA; Mucolipidosis III Alpha/Beta; ML III; ML III ALPHA/BETA; Type III Mucolipidosis. Identifiers: Orphanet 423461, Orphanet 577, MedGen C0033788, MONDO:0018931, OMIM 252600.

Allele frequency attached by ClinVar (database versions not stated): 1000 Genomes Project 30x 0.00219; gnomAD exomes 0.00127 and 0.00060; ExAC 0.00143; gnomAD 0.00001 and 0.00032; ESP Exome Variant Server 0.00015; TOPMed 0.00007; 1000 Genomes Project 0.00260.
gnomAD v4.1: 940 of 1,614,152 alleles (0.058%); highest among the groups gnomAD compares: South Asian, 0.96%; 8 homozygotes.

Submissions (5):

Labcorp Genetics (formerly Invitae), Labcorp
Classification: Benign for Pseudo-Hurler polydystrophy; Mucolipidosis type II. Last evaluated: 2026-02-02. Review status: criteria provided, single submitter. Criteria: Invitae Variant Classification Sherloc (09022015). Collection method: clinical testing. Allele origin: germline.

Women's Health and Genetics/Laboratory Corporation of America, LabCorp
Classification: Likely benign. Last evaluated: 2022-12-11. Review status: criteria provided, single submitter. Criteria: LabCorp Variant Classification Summary - May 2015. Collection method: clinical testing. Allele origin: germline.

Illumina Laboratory Services, Illumina
Classification: Likely benign for Mucolipidosis type II. Last evaluated: 2018-01-12. Review status: criteria provided, single submitter. Criteria: ICSL Variant Classification Criteria 13 December 2019. Collection method: clinical testing. Allele origin: germline.
Comment: This variant was observed in the ICSL laboratory as part of a predisposition screen in an ostensibly healthy population. It had not been previously curated by ICSL or reported in the Human Gene Mutation Database (HGMD: prior to June 1st, 2018), and was therefore a candidate for classification through an automated scoring system. Utilizing variant allele frequency, disease prevalence and penetrance estimates, and inheritance mode, an automated score was calculated to assess if this variant is too frequent to cause the disease. Based on the score and internal cut-off values, a variant classified as likely benign is not then subjected to further curation. The score for this variant resulted in a classification of likely benign for this disease.

Illumina Laboratory Services, Illumina
Classification: Likely benign for Pseudo-Hurler polydystrophy. Last evaluated: 2018-01-12. Review status: criteria provided, single submitter. Criteria: ICSL Variant Classification Criteria 13 December 2019. Collection method: clinical testing. Allele origin: germline.
Comment: the same text as in the submission from Illumina Laboratory Services, Illumina above.

Natera, Inc.
Classification: Benign for Mucolipidosis type II. Last evaluated: 2020-04-17. Review status: no assertion criteria provided. Collection method: clinical testing. Allele origin: germline. Not counted in ClinVar's aggregate classification.

NM_024312.5(GNPTAB):c.2665T>C (p.Leu889=)

Gene: GNPTAB (N-acetylglucosamine-1-phosphate transferase subunits alpha and beta; minus strand). Cytogenetic location: 12q23.2.
Variant type: single nucleotide variant.
Coding change: c.2665T>C on transcript NM_024312.5 (MANE Select); coding-DNA position 2665, T replaced by C.
Protein change: p.Leu889=; no amino-acid change (leucine 889 retained).
Molecular consequence: synonymous variant.
Genome position (GRCh38, 1-based): chr12:101,764,252, A>G on the plus strand (T>C on the coding strand, the complement: GNPTAB is on the minus strand). VCF-style: chr12-101764252-A-G. GRCh37 (hg19) VCF-style: chr12-102158030-A-G.
Identifiers: ClinVar variation 306803 (VCV000306803.17), dbSNP rs139215843, ClinGen allele CA6746395.